The following is an entry in ClinVar:

ClinVar aggregate classification (germline): Benign. Review status: criteria provided, multiple submitters, no conflicts (2 of 4 stars). 3 submissions from 3 submitters: Benign (2). 1 of the submissions does not count toward it. Last evaluated 2026-01-02.

Conditions:
MRPS2-related disorder. Also called: MRPS2-related condition.

Allele frequency attached by ClinVar (database versions not stated): ESP Exome Variant Server 0.00008; TOPMed 0.00015; gnomAD 0.00051; ExAC 0.00192; 1000 Genomes Project 0.00459; 1000 Genomes Project 30x 0.00468.
gnomAD v4.1: 1,254 of 1,613,082 alleles (0.078%); highest among the groups gnomAD compares: South Asian, 1.3%; 13 homozygotes.

Submissions (3):

Labcorp Genetics (formerly Invitae), Labcorp
Classification: Benign. Last evaluated: 2026-01-02. Review status: criteria provided, single submitter. Criteria: Invitae Variant Classification Sherloc (09022015). Collection method: clinical testing. Allele origin: germline.

CeGaT Center for Human Genetics Tuebingen
Classification: Benign. Last evaluated: 2024-05-01. Review status: criteria provided, single submitter. Criteria: CeGaT Center For Human Genetics Tuebingen Variant Classification Criteria Version 2. Collection method: clinical testing. Allele origin: germline. Affected: yes. Observed: 2 variant alleles.
Comment: ENSG00000226706: BS1, BS2; MRPS2: BP4, BP7, BS1, BS2

PreventionGenetics, part of Exact Sciences
Classification: Benign for MRPS2-related condition. Last evaluated: 2019-07-22. Review status: no assertion criteria provided. Collection method: clinical testing. Allele origin: germline. Not counted in ClinVar's aggregate classification.
Comment: This variant is classified as benign based on ACMG/AMP sequence variant interpretation guidelines (Richards et al. 2015 PMID: 25741868, with internal and published modifications).

NM_016034.5(MRPS2):c.312G>A (p.Pro104=)

Genes: MRPS2 (mitochondrial ribosomal protein S2; plus strand), LOC101928525 (uncharacterized LOC101928525; minus strand). Cytogenetic location: 9q34.3.
Variant type: single nucleotide variant.
Coding change: c.312G>A on transcript NM_016034.5 (MANE Select); coding-DNA position 312, G replaced by A.
Protein change: p.Pro104=; no amino-acid change (proline 104 retained).
Molecular consequence: synonymous variant. On other transcripts: non-coding transcript variant (5).
Genome position (GRCh38, 1-based): chr9:135,503,554, G>A. VCF-style: chr9-135503554-G-A. GRCh37 (hg19) VCF-style: chr9-138395400-G-A.
Other names: c.312G>A, p.Pro104= (NM_001371401.1); c.312G>A (NM_016034.4).
Identifiers: ClinVar variation 2710238 (VCV002710238.26), dbSNP rs200709806, ClinGen allele CA5323903.